The following is an entry in ClinVar:

ClinVar aggregate classification (germline): Uncertain significance (1 of 4 stars; one submission).

Conditions:
Hereditary cancer-predisposing syndrome. Also called: Tumor predisposition; Hereditary Cancer Syndrome; Hereditary neoplastic syndrome; Neoplastic Syndromes, Hereditary. Identifiers: Orphanet 140162, MedGen C0027672, MeSH D009386, MONDO:0015356.

Submission:

Labcorp Genetics (formerly Invitae), Labcorp
Classification: Uncertain significance for Hereditary cancer-predisposing syndrome. Last evaluated: 2022-10-30. Review status: criteria provided, single submitter. Criteria: Invitae Variant Classification Sherloc (09022015). Collection method: clinical testing. Allele origin: germline.
Comment: In summary, the available evidence is currently insufficient to determine the role of this variant in disease. Therefore, it has been classified as a Variant of Uncertain Significance. Advanced modeling of protein sequence and biophysical properties (such as structural, functional, and spatial information, amino acid conservation, physicochemical variation, residue mobility, and thermodynamic stability) performed at Invitae indicates that this missense variant is not expected to disrupt RAD50 protein function. This variant has not been reported in the literature in individuals affected with RAD50-related conditions. This variant is not present in population databases (gnomAD no frequency). This sequence change replaces phenylalanine, which is neutral and non-polar, with tyrosine, which is neutral and polar, at codon 669 of the RAD50 protein (p.Phe669Tyr).

NM_005732.4(RAD50):c.2006T>A (p.Phe669Tyr)

Gene: RAD50 (RAD50 double strand break repair protein; plus strand). Cytogenetic location: 5q31.1.
Variant type: single nucleotide variant.
Coding change: c.2006T>A on transcript NM_005732.4 (MANE Select); coding-DNA position 2006, T replaced by A.
Protein change: p.Phe669Tyr; replaces phenylalanine 669 with tyrosine.
Molecular consequence: missense variant.
Genome position (GRCh38, 1-based): chr5:132,595,609, T>A. VCF-style: chr5-132595609-T-A. GRCh37 (hg19) VCF-style: chr5-131931301-T-A.
Other names: short protein forms F669Y.
Identifiers: ClinVar variation 2810681 (VCV002810681.3), dbSNP rs1554098674, ClinGen allele CA360949336.